The following is an entry in ClinVar:

ClinVar aggregate classification (germline): Likely benign (1 of 4 stars; one submission).

Allele frequency attached by ClinVar (database versions not stated): 1000 Genomes Project 0.00100.

Submission:

CeGaT Center for Human Genetics Tuebingen
Classification: Likely benign. Last evaluated: 2025-10-01. Review status: criteria provided, single submitter. Criteria: CeGaT Center For Human Genetics Tuebingen Variant Classification Criteria Version 2. Collection method: clinical testing. Allele origin: germline. Affected: yes. Observed: 2 variant alleles.
Comment: PRAMEF2: BP4, BP7

NM_023014.1(PRAMEF2):c.558C>G (p.Val186=)

Genes: PRAMEF2 (PRAME family member 2; plus strand), LOC126805622 (CDK7 strongly-dependent group 2 enhancer GRCh37_chr1:12919058-12920257; plus strand). Cytogenetic location: 1p36.21.
Variant type: single nucleotide variant.
Coding change: c.558C>G on transcript NM_023014.1 (MANE Select); coding-DNA position 558, C replaced by G.
Protein change: p.Val186=; no amino-acid change (valine 186 retained).
Molecular consequence: synonymous variant.
Genome position (GRCh38, 1-based): chr1:12,859,963, C>G. VCF-style: chr1-12859963-C-G. GRCh37 (hg19) VCF-style: chr1-12919818-C-G.
Identifiers: ClinVar variation 3025320 (VCV003025320.22), dbSNP rs199690889, ClinGen allele CA608059.